The following is an entry in ClinVar:

ClinVar aggregate classification (germline): Benign. Review status: criteria provided, multiple submitters, no conflicts (2 of 4 stars). 2 submissions from 2 submitters: Benign (2). Last evaluated 2018-06-14.

Allele frequency attached by ClinVar (database versions not stated): gnomAD 0.04771 and 0.05198; TOPMed 0.04947; gnomAD exomes 0.06308; 1000 Genomes Project 30x 0.08151; 1000 Genomes Project 0.08466.
gnomAD v4.1: 92,971 of 1,492,426 alleles (6.2%); highest among the groups gnomAD compares: East Asian, 13%; 3,418 homozygotes.

Submissions (2):

GeneDx
Classification: Benign. Last evaluated: 2018-06-14. Review status: criteria provided, single submitter. Criteria: GeneDx Variant Classification (06012015). Collection method: clinical testing. Allele origin: germline. Affected: yes.
Comment: This variant is considered likely benign or benign based on one or more of the following criteria: it is a conservative change, it occurs at a poorly conserved position in the protein, it is predicted to be benign by multiple in silico algorithms, and/or has population frequency not consistent with disease.

Breakthrough Genomics
Classification: Benign. Review status: criteria provided, single submitter. Criteria: ACMG Guidelines, 2015. Collection method: not provided. Allele origin: germline. Inheritance: Autosomal dominant inheritance. Affected: yes.

NM_003244.4(TGIF1):c.16+1393G>A

Gene: TGIF1 (TGFB induced factor homeobox 1; plus strand). Cytogenetic location: 18p11.31.
Variant type: single nucleotide variant.
Coding change: c.16+1393G>A on transcript NM_003244.4 (MANE Select); 1393 bases into the intron after coding-DNA position 16, G replaced by A.
Molecular consequence: intron variant. On other transcripts: 5 prime UTR variant (1).
Genome position (GRCh38, 1-based): chr18:3,451,898, G>A. VCF-style: chr18-3451898-G-A. GRCh37 (hg19) VCF-style: chr18-3451896-G-A.
Other names: c.-529G>A (NM_170695.5); c.-44-4456G>A (NM_174886.3, NM_001278686.3); c.58+4101G>A (NM_173207.4); c.-45+3359G>A (NM_001374396.1); c.25+2242G>A (NM_001278682.2); c.16+1393G>A (NM_173208.3, NM_001278684.2); c.-45+1828G>A (NM_173209.3); c.-45+123G>A (NM_173210.4); and 1 more.
Identifiers: ClinVar variation 675146 (VCV000675146.2), dbSNP rs11571508, ClinGen allele CA295563484.